The following is an entry in ClinVar:

NM_032228.6(FAR1):c.1042T>A (p.Leu348Ile)

Gene: FAR1 (fatty acyl-CoA reductase 1; plus strand). Cytogenetic location: 11p15.3.
Variant type: single nucleotide variant.
Coding change: c.1042T>A on transcript NM_032228.6 (MANE Select); coding-DNA position 1042, T replaced by A.
Protein change: p.Leu348Ile; replaces leucine 348 with isoleucine.
Molecular consequence: missense variant.
Genome position (GRCh38, 1-based): chr11:13,714,595, T>A. VCF-style: chr11-13714595-T-A. GRCh37 (hg19) VCF-style: chr11-13736142-T-A.
Other names: c.1042T>A (NM_032228.5); short protein forms L348I.
Identifiers: ClinVar variation 2959993 (VCV002959993.4), dbSNP rs772165734, ClinGen allele CA5893453.

ClinVar aggregate classification (germline): Uncertain significance. Review status: criteria provided, multiple submitters, no conflicts (2 of 4 stars). 2 submissions from 2 submitters: Uncertain significance (2). Last evaluated 2025-04-01.

Conditions:
Inborn genetic diseases. Identifiers: MedGen C0950123, MeSH D030342.

Allele frequency attached by ClinVar (database versions not stated): gnomAD exomes below 0.00001; gnomAD 0.00001; ExAC 0.00002.
gnomAD v4.1: 6 of 1,613,562 alleles (0.00037%); no homozygotes.

Submissions (2):

Ambry Genetics
Classification: Uncertain significance for Inborn genetic diseases. Last evaluated: 2025-04-01. Review status: criteria provided, single submitter. Criteria: Ambry Variant Classification Scheme 2023. Collection method: clinical testing. Allele origin: germline.

Labcorp Genetics (formerly Invitae), Labcorp
Classification: Uncertain significance. Last evaluated: 2024-03-16. Review status: criteria provided, single submitter. Criteria: Invitae Variant Classification Sherloc (09022015). Collection method: clinical testing. Allele origin: germline.
Comment: This sequence change replaces leucine, which is neutral and non-polar, with isoleucine, which is neutral and non-polar, at codon 348 of the FAR1 protein (p.Leu348Ile). This variant is present in population databases (rs772165734, gnomAD 0.02%). This variant has not been reported in the literature in individuals affected with FAR1-related conditions. Advanced modeling of protein sequence and biophysical properties (such as structural, functional, and spatial information, amino acid conservation, physicochemical variation, residue mobility, and thermodynamic stability) performed at Invitae indicates that this missense variant is not expected to disrupt FAR1 protein function with a negative predictive value of 80%. In summary, the available evidence is currently insufficient to determine the role of this variant in disease. Therefore, it has been classified as a Variant of Uncertain Significance.